The following is an entry in ClinVar:

ClinVar aggregate classification (germline): Uncertain significance (1 of 4 stars; one submission).

Allele frequency attached by ClinVar (database versions not stated): ExAC 0.00001; gnomAD 0.00001.

Submission:

Labcorp Genetics (formerly Invitae), Labcorp
Classification: Uncertain significance. Last evaluated: 2022-05-11. Review status: criteria provided, single submitter. Criteria: Invitae Variant Classification Sherloc (09022015). Collection method: clinical testing. Allele origin: germline.
Comment: In summary, the available evidence is currently insufficient to determine the role of this variant in disease. Therefore, it has been classified as a Variant of Uncertain Significance. Algorithms developed to predict the effect of missense changes on protein structure and function output the following: SIFT: "Tolerated"; PolyPhen-2: "Benign"; Align-GVGD: "Class C0". The asparagine amino acid residue is found in multiple mammalian species, which suggests that this missense change does not adversely affect protein function. This variant has not been reported in the literature in individuals affected with MCM3AP-related conditions. This variant is present in population databases (rs777553365, gnomAD 0.003%). This sequence change replaces aspartic acid, which is acidic and polar, with asparagine, which is neutral and polar, at codon 448 of the MCM3AP protein (p.Asp448Asn).

NM_003906.5(MCM3AP):c.1342G>A (p.Asp448Asn)

Gene: MCM3AP (minichromosome maintenance complex component 3 associated protein; minus strand). Cytogenetic location: 21q22.3.
Variant type: single nucleotide variant.
Coding change: c.1342G>A on transcript NM_003906.5 (MANE Select); coding-DNA position 1342, G replaced by A.
Protein change: p.Asp448Asn; replaces aspartic acid 448 with asparagine.
Molecular consequence: missense variant.
Genome position (GRCh38, 1-based): chr21:46,283,716, C>T on the plus strand (G>A on the coding strand, the complement: MCM3AP is on the minus strand). VCF-style: chr21-46283716-C-T. GRCh37 (hg19) VCF-style: chr21-47703630-C-T.
Other names: short protein forms D448N.
Identifiers: ClinVar variation 1955279 (VCV001955279.5), dbSNP rs777553365, ClinGen allele CA10077116.